The following is an entry in ClinVar:

ClinVar aggregate classification (germline): Uncertain significance (1 of 4 stars; one submission).

Conditions:
Lowe syndrome (OCRL). Also called: LOWE OCULOCEREBRORENAL SYNDROME; PHOSPHATIDYLINOSITOL 4,5-BISPHOSPHATE 5-PHOSPHATASE DEFICIENCY; Oculocerebrorenal Syndrome. Identifiers: Orphanet 534, MedGen C0028860, MONDO:0010645, OMIM 309000.

Submission:

Labcorp Genetics (formerly Invitae), Labcorp
Classification: Uncertain significance for Lowe syndrome. Last evaluated: 2022-06-05. Review status: criteria provided, single submitter. Criteria: Invitae Variant Classification Sherloc (09022015). Collection method: clinical testing. Allele origin: germline.
Comment: This sequence change falls in intron 3 of the OCRL gene. It does not directly change the encoded amino acid sequence of the OCRL protein. It affects a nucleotide within the consensus splice site. This variant is not present in population databases (gnomAD no frequency). This variant has not been reported in the literature in individuals affected with OCRL-related conditions. Variants that disrupt the consensus splice site are a relatively common cause of aberrant splicing (PMID: 17576681, 9536098). Algorithms developed to predict the effect of sequence changes on RNA splicing suggest that this variant may disrupt the consensus splice site. In summary, the available evidence is currently insufficient to determine the role of this variant in disease. Therefore, it has been classified as a Variant of Uncertain Significance.

Literature cited by the submitters: PubMed 17576681; PubMed 9536098.

NM_000276.4(OCRL):c.200-3del

Gene: OCRL (OCRL inositol polyphosphate-5-phosphatase; plus strand). Cytogenetic location: Xq26.1.
Variant type: Deletion.
Coding change: c.200-3del on transcript NM_000276.4 (MANE Select); 3 bases into the intron before coding-DNA position 200, one base deleted (C; older notation c.200-3delC).
Molecular consequence: intron variant.
Genome position (GRCh38, 1-based): chrX:129,548,560, C deleted. VCF-style (leftmost placement, unchanged base first): chrX-129548559-TC-T. GRCh37 (hg19) VCF-style: chrX-128682536-TC-T.
Other names: c.203-3del (NM_001318784.2); c.200-3del (NM_001587.4).
Identifiers: ClinVar variation 2002557 (VCV002002557.1), dbSNP rs2521855553, ClinGen allele CA2580100326.